The following is an entry in ClinVar:

NM_001193315.2(VIPAS39):c.493C>T (p.Arg165Trp)

Gene: VIPAS39 (VPS33B interacting protein, apical-basolateral polarity regulator, spe-39 homolog; minus strand). Cytogenetic location: 14q24.3.
Variant type: single nucleotide variant.
Coding change: c.493C>T on transcript NM_001193315.2 (MANE Select); coding-DNA position 493, C replaced by T.
Protein change: p.Arg165Trp; replaces arginine 165 with tryptophan.
Molecular consequence: missense variant. On other transcripts: non-coding transcript variant (1).
Genome position (GRCh38, 1-based): chr14:77,448,505, G>A on the plus strand (C>T on the coding strand, the complement: VIPAS39 is on the minus strand). VCF-style: chr14-77448505-G-A. GRCh37 (hg19) VCF-style: chr14-77914848-G-A.
Other names: c.493C>T, p.Arg165Trp (NM_001193314.2, NM_001193317.2, NM_001400326.1 and 11 more transcripts); c.346C>T, p.Arg116Trp (NM_001193316.2, NM_001400324.1, NM_001400325.1 and 1 more transcripts); c.493C>T (NM_022067.3); short protein forms R116W, R165W.
Identifiers: ClinVar variation 3188575 (VCV003188575.3), dbSNP rs146741246, ClinGen allele CA7288078.

ClinVar aggregate classification (germline): Uncertain significance. Review status: criteria provided, multiple submitters, no conflicts (2 of 4 stars). 3 submissions from 3 submitters: Uncertain significance (3). Last evaluated 2026-09-08.

Conditions:
Arthrogryposis, renal dysfunction, and cholestasis 2 (ARCS2). Identifiers: Orphanet 2697, MedGen C3150672, MONDO:0013255, OMIM 613404.
VIPAS39-related disorder. Also called: VIPAS39-related condition.
Inborn genetic diseases. Identifiers: MedGen C0950123, MeSH D030342.

Allele frequency attached by ClinVar (database versions not stated): TOPMed 0.00002; gnomAD 0.00003; gnomAD exomes 0.00003; ExAC 0.00005; ESP Exome Variant Server 0.00008; 1000 Genomes Project 30x 0.00031.
gnomAD v4.1: 50 of 1,614,110 alleles (0.0031%); highest among the groups gnomAD compares: South Asian, 0.016%; no homozygotes.

Submissions (3):

PreventionGenetics, part of Exact Sciences
Classification: Uncertain significance for VIPAS39-related condition. Last evaluated: 2026-09-08. Review status: criteria provided, single submitter. Criteria: ACMG Guidelines, 2015. Collection method: clinical testing. Allele origin: germline.
Comment: The VIPAS39 c.493C>T variant is predicted to result in the amino acid substitution p.Arg165Trp. To our knowledge, this variant has not been reported in the literature. This variant is reported in 0.020% of alleles in individuals of East Asian descent in gnomAD. At this time, the clinical significance of this variant is uncertain due to the absence of conclusive functional and genetic evidence.

Fulgent Genetics
Classification: Uncertain significance for Arthrogryposis, renal dysfunction, and cholestasis 2. Last evaluated: 2024-05-15. Review status: criteria provided, single submitter. Criteria: ACMG Guidelines, 2015. Collection method: clinical testing. Allele origin: germline.

Ambry Genetics
Classification: Uncertain significance for Inborn genetic diseases. Last evaluated: 2024-01-09. Review status: criteria provided, single submitter. Criteria: Ambry Variant Classification Scheme 2023. Collection method: clinical testing. Allele origin: germline.